The following is an entry in ClinVar:

NM_000458.4(HNF1B):c.398A>G (p.Asn133Ser)

Gene: HNF1B (HNF1 homeobox B; minus strand). Cytogenetic location: 17q12.
Variant type: single nucleotide variant.
Coding change: c.398A>G on transcript NM_000458.4 (MANE Select); coding-DNA position 398, A replaced by G.
Protein change: p.Asn133Ser; replaces asparagine 133 with serine.
Molecular consequence: missense variant.
Genome position (GRCh38, 1-based): chr17:37,739,586, T>C on the plus strand (A>G on the coding strand, the complement: HNF1B is on the minus strand). VCF-style: chr17-37739586-T-C. GRCh37 (hg19) VCF-style: chr17-36099577-T-C.
Other names: c.398A>G, p.Asn133Ser (NM_001165923.4, NM_001304286.2); short protein forms N133S.
Identifiers: ClinVar variation 635703 (VCV000635703.1), dbSNP rs2511829602, ClinGen allele CA398751597.

ClinVar aggregate classification (germline): Pathogenic (1 of 4 stars; one submission).

Conditions:
Renal cysts and diabetes syndrome (RCAD). Also called: Familial hypoplastic, glomerulocystic kidney; MATURITY-ONSET DIABETES OF THE YOUNG, TYPE 5. Identifiers: Orphanet 93111, MedGen C0431693, MONDO:0007669, OMIM 137920.

Submission:

Institute of Human Genetics, FAU Erlangen, Friedrich-Alexander-Universität Erlangen-Nürnberg
Classification: Pathogenic for Renal cysts and diabetes syndrome. Last evaluated: 2019-07-06. Review status: criteria provided, single submitter. Criteria: ACMG Guidelines, 2015. Collection method: literature only. Allele origin: germline. Affected: yes.
Comment: This variant and it's classification has been reported by Vasileiou et al. 2019; DOI:10.1101/576918. The variants has previously been reported in PMID:25700310; PMID:23520208; PMID:27234567; PMID:25536396 as "c.398A>G; c.398A>G p.N133S; c.398A>G" with clinical significance Pathogenic. It has been re-classified using InterVar and manual curation as Pathogenic based on PS2 PM1 PM2 PP3 PP5.

Literature cited by the submitters: PubMed 25700310; PubMed 23520208; PubMed 27234567; PubMed 25536396; DOI 10.1101/576918.